The following is an entry in ClinVar:

ClinVar aggregate classification (germline): Pathogenic. Review status: criteria provided, multiple submitters, no conflicts (2 of 4 stars). 3 submissions from 3 submitters: Pathogenic (3). Last evaluated 2026-02-25.

Conditions:
Renal cysts and diabetes syndrome (RCAD). Also called: Familial hypoplastic, glomerulocystic kidney; MATURITY-ONSET DIABETES OF THE YOUNG, TYPE 5. Identifiers: Orphanet 93111, MedGen C0431693, MONDO:0007669, OMIM 137920.

Submissions (3):

GeneDx
Classification: Pathogenic. Last evaluated: 2026-02-25. Review status: criteria provided, single submitter. Criteria: GeneDx Variant Classification Process June 2021. Collection method: clinical testing. Allele origin: germline.
Comment: Identified in patients with clinical features of HNF1B-related renal cysts and diabetes syndrome in published literature (PMID: 31198537, 24041679); Nonsense variant predicted to result in protein truncation or nonsense mediated decay in a gene for which loss of function is a known mechanism of disease; Not observed in large population cohorts (gnomAD); This variant is associated with the following publications: (PMID: 26599467, 31198537, 24041679)

Labcorp Genetics (formerly Invitae), Labcorp
Classification: Pathogenic. Last evaluated: 2024-12-06. Review status: criteria provided, single submitter. Criteria: Invitae Variant Classification Sherloc (09022015). Collection method: clinical testing. Allele origin: germline.
Comment: This sequence change creates a premature translational stop signal (p.Gln382*) in the HNF1B gene. It is expected to result in an absent or disrupted protein product. Loss-of-function variants in HNF1B are known to be pathogenic (PMID: 9398836, 12148114, 15068978, 20378641). This variant is not present in population databases (gnomAD no frequency). This premature translational stop signal has been observed in individual(s) with clinical features of HNF1B-related conditions (PMID: 24041679, 31198537). ClinVar contains an entry for this variant (Variation ID: 635604). For these reasons, this variant has been classified as Pathogenic.

Institute of Human Genetics, FAU Erlangen, Friedrich-Alexander-Universität Erlangen-Nürnberg
Classification: Pathogenic for Renal cysts and diabetes syndrome. Last evaluated: 2019-07-06. Review status: criteria provided, single submitter. Criteria: ACMG Guidelines, 2015. Collection method: literature only. Allele origin: germline. Affected: yes.
Comment: This variant and it's classification has been reported by Vasileiou et al. 2019; DOI:10.1101/576918. The variants has previously been reported in PMID:24041679; DOI:10.1093/ckj/sfy102 as "c.1144C.T p.Gln382*; c.1144C>T; p.Gln382c " with clinical significance Pathogenic. It has been re-classified using InterVar and manual curation as Pathogenic based on PVS1 PM2 PP3.

Literature cited by the submitters: PubMed 9398836 (cited by Labcorp Genetics (formerly Invitae), Labcorp); PubMed 12148114 (cited by Labcorp Genetics (formerly Invitae), Labcorp); PubMed 15068978 (cited by Labcorp Genetics (formerly Invitae), Labcorp); PubMed 20378641 (cited by Labcorp Genetics (formerly Invitae), Labcorp); PubMed 24041679 (cited by Labcorp Genetics (formerly Invitae), Labcorp and Institute of Human Genetics, FAU Erlangen, Friedrich-Alexander-Universität Erlangen-Nürnberg); PubMed 31198537 (cited by Labcorp Genetics (formerly Invitae), Labcorp); DOI 10.1093/ckj/sfy102 (cited by Institute of Human Genetics, FAU Erlangen, Friedrich-Alexander-Universität Erlangen-Nürnberg); DOI 10.1101/576918 (cited by Institute of Human Genetics, FAU Erlangen, Friedrich-Alexander-Universität Erlangen-Nürnberg).

NM_000458.4(HNF1B):c.1144C>T (p.Gln382Ter)

Gene: HNF1B (HNF1 homeobox B; minus strand). Cytogenetic location: 17q12.
Variant type: single nucleotide variant.
Coding change: c.1144C>T on transcript NM_000458.4 (MANE Select); coding-DNA position 1144, C replaced by T.
Protein change: p.Gln382Ter; replaces glutamine 382 with a stop codon.
Molecular consequence: nonsense.
Genome position (GRCh38, 1-based): chr17:37,710,565, G>A on the plus strand (C>T on the coding strand, the complement: HNF1B is on the minus strand). VCF-style: chr17-37710565-G-A. GRCh37 (hg19) VCF-style: chr17-36070573-G-A.
Other names: c.1066C>T, p.Gln356Ter (NM_001165923.4, NM_001304286.2); c.1144C>T (NM_000458.2); short protein forms Q382*, Q356*.
Identifiers: ClinVar variation 635604 (VCV000635604.4), dbSNP rs2147473623, ClinGen allele CA398759324.
Genomic context (GRCh38, chr17:37,710,565, plus strand): 5'-TTTTACCATCAGGTGAGAGGAGATTGTGGCCTGGGTCCAGGCTGGCTGGGGAGACTTGCT[G>A]TAAAACCGACTGGCTGGTCACCATGGCGCTGTTGCCATGGTGACTGATTGTTGAGGAGGA-3'